The following is an entry in ClinVar:

NM_000264.5(PTCH1):c.3788T>C (p.Val1263Ala)

Gene: PTCH1 (patched 1; minus strand). Cytogenetic location: 9q22.32.
Variant type: single nucleotide variant.
Coding change: c.3788T>C on transcript NM_000264.5 (MANE Select); coding-DNA position 3788, T replaced by C.
Protein change: p.Val1263Ala; replaces valine 1263 with alanine.
Molecular consequence: missense variant. On other transcripts: non-coding transcript variant (1).
Genome position (GRCh38, 1-based): chr9:95,449,085, A>G on the plus strand (T>C on the coding strand, the complement: PTCH1 is on the minus strand). VCF-style: chr9-95449085-A-G. GRCh37 (hg19) VCF-style: chr9-98211367-A-G.
Other names: c.3590T>C, p.Val1197Ala (NM_001083602.3); c.3785T>C, p.Val1262Ala (NM_001083603.3); c.3335T>C, p.Val1112Ala (NM_001083604.3, NM_001083605.3, NM_001083606.3 and 1 more transcripts); c.3632T>C, p.Val1211Ala (NM_001354918.2); short protein forms V1262A, V1263A, V1112A, V1211A, V1197A.
Identifiers: ClinVar variation 824206 (VCV000824206.14), dbSNP rs1588516673, ClinGen allele CA374110933.

ClinVar aggregate classification (germline): Uncertain significance. Review status: criteria provided, multiple submitters, no conflicts (2 of 4 stars). 3 submissions from 3 submitters: Uncertain significance (3). Last evaluated 2025-04-11.

Conditions:
Hereditary cancer-predisposing syndrome. Also called: Neoplastic Syndromes, Hereditary; Hereditary Cancer Syndrome; Hereditary neoplastic syndrome; Tumor predisposition. Identifiers: Orphanet 140162, MedGen C0027672, MeSH D009386, MONDO:0015356.
Gorlin syndrome. Also called: Nevoid Basal Cell Carcinoma Syndrome; Basal cell nevus syndrome. Identifiers: Orphanet 377, MedGen C0004779, MONDO:0007187.

Allele frequency attached by ClinVar (database versions not stated): gnomAD exomes below 0.00001.
gnomAD v4.1: 1 of 1,614,182 alleles (0.000062%); highest among the groups gnomAD compares: Non-Finnish European, 0.000085%; no homozygotes.

Submissions (3):

Ambry Genetics
Classification: Uncertain significance for Hereditary cancer-predisposing syndrome. Last evaluated: 2025-04-11. Review status: criteria provided, single submitter. Criteria: Ambry Variant Classification Scheme 2023. Collection method: clinical testing. Allele origin: germline.
Comment: The p.V1263A variant (also known as c.3788T>C), located in coding exon 22 of the PTCH1 gene, results from a T to C substitution at nucleotide position 3788. The valine at codon 1263 is replaced by alanine, an amino acid with similar properties. This amino acid position is highly conserved in mammals, but not in lower available vertebrate species. In addition, this alteration is predicted to be tolerated by in silico analysis. Based on the available evidence, the clinical significance of this variant remains unclear.

GeneDx
Classification: Uncertain significance. Last evaluated: 2024-05-31. Review status: criteria provided, single submitter. Criteria: GeneDx Variant Classification Process June 2021. Collection method: clinical testing. Allele origin: germline. Affected: yes.
Comment: Not observed at significant frequency in large population cohorts (gnomAD); In silico analysis indicates that this missense variant does not alter protein structure/function; Has not been previously published as pathogenic or benign to our knowledge

Labcorp Genetics (formerly Invitae), Labcorp
Classification: Uncertain significance for Gorlin syndrome. Last evaluated: 2024-01-28. Review status: criteria provided, single submitter. Criteria: Invitae Variant Classification Sherloc (09022015). Collection method: clinical testing. Allele origin: germline.
Comment: This sequence change replaces valine, which is neutral and non-polar, with alanine, which is neutral and non-polar, at codon 1263 of the PTCH1 protein (p.Val1263Ala). This variant is not present in population databases (gnomAD no frequency). This variant has not been reported in the literature in individuals affected with PTCH1-related conditions. ClinVar contains an entry for this variant (Variation ID: 824206). Advanced modeling of protein sequence and biophysical properties (such as structural, functional, and spatial information, amino acid conservation, physicochemical variation, residue mobility, and thermodynamic stability) performed at Invitae indicates that this missense variant is not expected to disrupt PTCH1 protein function with a negative predictive value of 95%. In summary, the available evidence is currently insufficient to determine the role of this variant in disease. Therefore, it has been classified as a Variant of Uncertain Significance.